The following is an entry in ClinVar:

ClinVar aggregate classification (germline): Likely benign (0 of 4 stars; one submission).

Conditions:
HTR2C-related disorder. Also called: HTR2C-related condition.

Submission:

PreventionGenetics, part of Exact Sciences
Classification: Likely benign for HTR2C-related condition. Last evaluated: 2024-02-21. Review status: no assertion criteria provided. Collection method: clinical testing. Allele origin: germline.
Comment: This variant is classified as likely benign based on ACMG/AMP sequence variant interpretation guidelines (Richards et al. 2015 PMID: 25741868, with internal and published modifications).

NM_000868.4(HTR2C):c.459T>C (p.Tyr153=)

Gene: HTR2C (5-hydroxytryptamine receptor 2C; plus strand). Cytogenetic location: Xq23.
Variant type: single nucleotide variant.
Coding change: c.459T>C on transcript NM_000868.4 (MANE Select); coding-DNA position 459, T replaced by C.
Protein change: p.Tyr153=; no amino-acid change (tyrosine 153 retained).
Molecular consequence: synonymous variant. On other transcripts: intron variant (1).
Genome position (GRCh38, 1-based): chrX:114,848,112, T>C. VCF-style: chrX-114848112-T-C. GRCh37 (hg19) VCF-style: chrX-114082675-T-C.
Other names: c.459T>C, p.Tyr153= (NM_001256760.3); c.455+4T>C (NM_001256761.3).
Identifiers: ClinVar variation 3348186 (VCV003348186.1).